The following is an entry in ClinVar:

NM_000090.4(COL3A1):c.869C>T (p.Pro290Leu)

Gene: COL3A1 (collagen type III alpha 1 chain; plus strand). Cytogenetic location: 2q32.2.
Variant type: single nucleotide variant.
Coding change: c.869C>T on transcript NM_000090.4 (MANE Select); coding-DNA position 869, C replaced by T.
Protein change: p.Pro290Leu; replaces proline 290 with leucine.
Molecular consequence: missense variant.
Genome position (GRCh38, 1-based): chr2:188,991,503, C>T. VCF-style: chr2-188991503-C-T. GRCh37 (hg19) VCF-style: chr2-189856229-C-T.
Other names: short protein forms P290L.
Identifiers: ClinVar variation 2161925 (VCV002161925.5), dbSNP rs1688187822, ClinGen allele CA349849899.

ClinVar aggregate classification (germline): Uncertain significance. Review status: criteria provided, multiple submitters, no conflicts (2 of 4 stars). 3 submissions from 3 submitters: Uncertain significance (3). Last evaluated 2025-10-20.

Conditions:
Familial thoracic aortic aneurysm and aortic dissection (TAAD). Also called: Thoracic aortic aneurysms and dissections. Identifiers: Orphanet 91387, MedGen C4707243, MONDO:0019625.
Ehlers-Danlos syndrome, type 4 (EDSVASC). Also called: Ehlers-Danlos syndrome vascular type; Ehlers Danlos syndrome, ecchymotic type; Ehlers Danlos syndrome, arterial type; Ehlers Danlos syndrome, Sack-Barabas type; Ehlers-Danlos Syndrome Type IV. Identifiers: Orphanet 286, MedGen C0268338, MONDO:0017314, OMIM 130050.

Allele frequency attached by ClinVar (database versions not stated): TOPMed below 0.00001.
gnomAD v4.1: 1 of 1,610,288 alleles (0.000062%); highest among the groups gnomAD compares: Non-Finnish European, 0.000085%; no homozygotes.

Submissions (3):

Labcorp Genetics (formerly Invitae), Labcorp
Classification: Uncertain significance for Ehlers-Danlos syndrome, type 4. Last evaluated: 2025-10-20. Review status: criteria provided, single submitter. Criteria: Invitae Variant Classification Sherloc (09022015). Collection method: clinical testing. Allele origin: germline.
Comment: This sequence change replaces proline, which is neutral and non-polar, with leucine, which is neutral and non-polar, at codon 290 of the COL3A1 protein (p.Pro290Leu). This variant is not present in population databases (gnomAD no frequency). This variant has not been reported in the literature in individuals affected with COL3A1-related conditions. ClinVar contains an entry for this variant (Variation ID: 2161925). Invitae Evidence Modeling of protein sequence and biophysical properties (such as structural, functional, and spatial information, amino acid conservation, physicochemical variation, residue mobility, and thermodynamic stability) has been performed for this missense variant. However, the output from this modeling did not meet the statistical confidence thresholds required to predict the impact of this variant on COL3A1 protein function. In summary, the available evidence is currently insufficient to determine the role of this variant in disease. Therefore, it has been classified as a Variant of Uncertain Significance.

Color Diagnostics, LLC DBA Color Health
Classification: Uncertain significance for Familial thoracic aortic aneurysm and aortic dissection. Last evaluated: 2025-06-29. Review status: criteria provided, single submitter. Criteria: ACMG Guidelines, 2015. Collection method: clinical testing. Allele origin: germline.
Comment: This missense variant replaces proline with leucine at codon 290 of the COL3A1 protein. Computational prediction suggests that this variant may have deleterious impact on protein structure and function. To our knowledge, functional studies have not been reported for this variant. This variant has not been reported in individuals affected with COL3A1-related disorders in the literature. This variant has not been identified in the general population by the Genome Aggregation Database (gnomAD). The available evidence is insufficient to determine the role of this variant in disease conclusively. Therefore, this variant is classified as a Variant of Uncertain Significance.

All of Us Research Program, National Institutes of Health
Classification: Uncertain significance for Ehlers-Danlos syndrome, type 4. Last evaluated: 2022-10-31. Review status: criteria provided, single submitter. Criteria: ACMG Guidelines, 2015. Collection method: clinical testing. Allele origin: germline. Inheritance: Autosomal dominant inheritance. Observed: 1 variant allele, 1 heterozygote.
Comment: This study involves interpretation of variants in research participants for the purpose of population health screening. Participant phenotype was not available at the time of variant classification. Additional details can be found in publication PMID: 35346344, PMCID: PMC8962531